The following is an entry in ClinVar:

NM_004385.5(VCAN):c.5195C>A (p.Thr1732Lys)

Genes: VCAN (versican; plus strand), VCAN-AS1 (VCAN antisense RNA 1; minus strand). Cytogenetic location: 5q14.3.
Variant type: single nucleotide variant.
Coding change: c.5195C>A on transcript NM_004385.5 (MANE Select); coding-DNA position 5195, C replaced by A.
Protein change: p.Thr1732Lys; replaces threonine 1732 with lysine.
Molecular consequence: missense variant. On other transcripts: intron variant (2).
Genome position (GRCh38, 1-based): chr5:83,538,198, C>A. VCF-style: chr5-83538198-C-A. GRCh37 (hg19) VCF-style: chr5-82834017-C-A.
Other names: c.2234C>A, p.Thr745Lys (NM_001164097.2); c.4004-7339C>A (NM_001164098.2); c.1043-7339C>A (NM_001126336.3); short protein forms T1732K, T745K.
Identifiers: ClinVar variation 1047289 (VCV001047289.9), dbSNP rs1746803470, ClinGen allele CA360309887.

ClinVar aggregate classification (germline): Uncertain significance (1 of 4 stars; one submission).

Submission:

Labcorp Genetics (formerly Invitae), Labcorp
Classification: Uncertain significance. Last evaluated: 2020-02-22. Review status: criteria provided, single submitter. Criteria: Invitae Variant Classification Sherloc (09022015). Collection method: clinical testing. Allele origin: germline.
Comment: This sequence change replaces threonine with lysine at codon 1732 of the VCAN protein (p.Thr1732Lys). The threonine residue is highly conserved and there is a moderate physicochemical difference between threonine and lysine. This variant is not present in population databases (ExAC no frequency). This variant has not been reported in the literature in individuals with VCAN-related conditions. Algorithms developed to predict the effect of missense changes on protein structure and function are either unavailable or do not agree on the potential impact of this missense change (SIFT: "Deleterious"; PolyPhen-2: "Benign"; Align-GVGD: "Class C0"). In summary, the available evidence is currently insufficient to determine the role of this variant in disease. Therefore, it has been classified as a Variant of Uncertain Significance.